The following is an entry in ClinVar:

NM_000090.4(COL3A1):c.1294-13T>C

Gene: COL3A1 (collagen type III alpha 1 chain; plus strand). Cytogenetic location: 2q32.2.
Variant type: single nucleotide variant.
Coding change: c.1294-13T>C on transcript NM_000090.4 (MANE Select); 13 bases into the intron before coding-DNA position 1294, T replaced by C.
Molecular consequence: intron variant.
Genome position (GRCh38, 1-based): chr2:188,994,528, T>C. VCF-style: chr2-188994528-T-C. GRCh37 (hg19) VCF-style: chr2-189859254-T-C.
Identifiers: ClinVar variation 3386446 (VCV003386446.1).

ClinVar aggregate classification (germline): Likely benign (1 of 4 stars; one submission).

Conditions:
Ehlers-Danlos syndrome, type 4 (EDSVASC). Also called: Ehlers-Danlos syndrome vascular type; Ehlers Danlos syndrome, ecchymotic type; Ehlers Danlos syndrome, arterial type; Ehlers Danlos syndrome, Sack-Barabas type; Ehlers-Danlos Syndrome Type IV. Identifiers: Orphanet 286, MedGen C0268338, MONDO:0017314, OMIM 130050.

gnomAD v4.1: 10 of 1,613,996 alleles (0.00062%); highest among the groups gnomAD compares: African/African-American, 0.0027%; no homozygotes.

Submission:

All of Us Research Program, National Institutes of Health
Classification: Likely benign for Ehlers-Danlos syndrome, type 4. Last evaluated: 2024-07-20. Review status: criteria provided, single submitter. Criteria: ACMG Guidelines, 2015. Collection method: clinical testing. Allele origin: germline. Inheritance: Autosomal dominant inheritance. Observed: 1 variant allele, 1 heterozygote.
Comment: This study involves interpretation of variants in research participants for the purpose of population health screening. Participant phenotype was not available at the time of variant classification. Additional details can be found in publication PMID: 35346344, PMCID: PMC8962531